The following is an entry in ClinVar:

ClinVar aggregate classification (germline): Uncertain significance (1 of 4 stars; one submission).

Submission:

GeneDx
Classification: Uncertain significance. Last evaluated: 2026-01-25. Review status: criteria provided, single submitter. Criteria: GeneDx Variant Classification Process June 2021. Collection method: clinical testing. Allele origin: germline.
Comment: Not observed at significant frequency in large population cohorts (gnomAD); In silico analysis suggests that this missense variant does not alter protein structure/function; This variant is associated with the following publications: (PMID: 22807134, 25486365)

NM_001042492.3(NF1):c.3919A>G (p.Ile1307Val)

Gene: NF1 (neurofibromin 1; plus strand). Cytogenetic location: 17q11.2.
Variant type: single nucleotide variant.
Coding change: c.3919A>G on transcript NM_001042492.3 (MANE Select); coding-DNA position 3919, A replaced by G.
Protein change: p.Ile1307Val; replaces isoleucine 1307 with valine.
Molecular consequence: missense variant.
Genome position (GRCh38, 1-based): chr17:31,235,966, A>G. VCF-style: chr17-31235966-A-G. GRCh37 (hg19) VCF-style: chr17-29562984-A-G.
Other names: c.3919A>G, p.Ile1307Val (NM_000267.4); short protein forms I1307V.
Identifiers: ClinVar variation 3253492 (VCV003253492.2), dbSNP rs2508264486.